The following is an entry in ClinVar:

ClinVar aggregate classification (germline): Benign. Review status: criteria provided, multiple submitters, no conflicts (2 of 4 stars). 2 submissions from 2 submitters: Benign (2). Last evaluated 2024-01-24.

Submissions (2):

Unidad de Genómica Garrahan, Hospital de Pediatría Garrahan
Classification: Benign. Last evaluated: 2024-01-24. Review status: criteria provided, single submitter. Criteria: ACMG Guidelines, 2015. Collection method: clinical testing. Allele origin: germline. Affected: no. Observed: 50 variant alleles.
Comment: This variant is classified as Benign based on local population frequency. This variant was detected in 53% of patients studied by a panel of primary immunodeficiencies. Number of patients: 50. Only high quality variants are reported.

GeneDx
Classification: Benign. Last evaluated: 2018-07-17. Review status: criteria provided, single submitter. Criteria: GeneDx Variant Classification Process June 2021. Collection method: clinical testing. Allele origin: germline. Affected: yes.

NM_003482.4(KMT2D):c.4131+83dup

Gene: KMT2D (lysine methyltransferase 2D; minus strand). Cytogenetic location: 12q13.12.
Variant type: Duplication.
Coding change: c.4131+83dup on transcript NM_003482.4 (MANE Select); 83 bases into the intron after coding-DNA position 4131, one base duplicated (T; older notation c.4131+83dupT).
Molecular consequence: intron variant.
Genome position (GRCh38, 1-based): chr12:49,048,574, A duplicated on the plus strand (T on the coding strand, the reverse complement: KMT2D is on the minus strand); the first of 3 consecutive A bases (chr12:49,048,574-49,048,576); duplicating any one gives the same sequence. VCF-style (leftmost placement, unchanged base first): chr12-49048573-C-CA. GRCh37 (hg19) VCF-style: chr12-49442356-C-CA.
Identifiers: ClinVar variation 1265801 (VCV001265801.4), dbSNP rs5798089, ClinGen allele CA236615472.
Genomic context (GRCh38, chr12:49,048,573, plus strand): 5'-CAAACCAATGAATAACATGATTAGAATTCATGGTCTGTTTTCTCATTAGCTGGGTATCCC[C>CA]AAAGTAGGTCCAGTTTTCCCATCTATCCTCTCACCAAACACACACATACACAATGTTCAG-3'